The following is an entry in ClinVar:

NM_181507.2(HPS5):c.3080A>C (p.Glu1027Ala)

Gene: HPS5 (HPS5 biogenesis of lysosomal organelles complex 2 subunit 2; minus strand). Cytogenetic location: 11p15.1.
Variant type: single nucleotide variant.
Coding change: c.3080A>C on transcript NM_181507.2 (MANE Select); coding-DNA position 3080, A replaced by C.
Protein change: p.Glu1027Ala; replaces glutamic acid 1027 with alanine.
Molecular consequence: missense variant.
Genome position (GRCh38, 1-based): chr11:18,282,199, T>G on the plus strand (A>C on the coding strand, the complement: HPS5 is on the minus strand). VCF-style: chr11-18282199-T-G. GRCh37 (hg19) VCF-style: chr11-18303746-T-G.
Other names: c.2738A>C, p.Glu913Ala (NM_007216.4, NM_181508.2); short protein forms E913A, E1027A.
Identifiers: ClinVar variation 1505131 (VCV001505131.5), dbSNP rs2134205497, ClinGen allele CA379512315.

ClinVar aggregate classification (germline): Uncertain significance (1 of 4 stars; one submission).

Allele frequency attached by ClinVar (database versions not stated): gnomAD exomes below 0.00001.
gnomAD v4.1: 2 of 1,614,186 alleles (0.00012%); highest among the groups gnomAD compares: Middle Eastern, 0.017%; no homozygotes.

Submission:

Labcorp Genetics (formerly Invitae), Labcorp
Classification: Uncertain significance. Last evaluated: 2021-08-14. Review status: criteria provided, single submitter. Criteria: Invitae Variant Classification Sherloc (09022015). Collection method: clinical testing. Allele origin: germline.
Comment: This sequence change replaces glutamic acid with alanine at codon 1027 of the HPS5 protein (p.Glu1027Ala). The glutamic acid residue is moderately conserved and there is a moderate physicochemical difference between glutamic acid and alanine. This variant is not present in population databases (ExAC no frequency). This variant has not been reported in the literature in individuals affected with HPS5-related conditions. Algorithms developed to predict the effect of missense changes on protein structure and function are either unavailable or do not agree on the potential impact of this missense change (SIFT: "Tolerated"; PolyPhen-2: "Possibly Damaging"; Align-GVGD: "Class C0"). In summary, the available evidence is currently insufficient to determine the role of this variant in disease. Therefore, it has been classified as a Variant of Uncertain Significance.